The following is an entry in ClinVar:

NM_032119.4(ADGRV1):c.7130G>A (p.Arg2377Gln)

Gene: ADGRV1 (adhesion G protein-coupled receptor V1; plus strand). Cytogenetic location: 5q14.3.
Variant type: single nucleotide variant.
Coding change: c.7130G>A on transcript NM_032119.4 (MANE Select); coding-DNA position 7130, G replaced by A.
Protein change: p.Arg2377Gln; replaces arginine 2377 with glutamine.
Molecular consequence: missense variant. On other transcripts: non-coding transcript variant (1).
Genome position (GRCh38, 1-based): chr5:90,692,783, G>A. VCF-style: chr5-90692783-G-A. GRCh37 (hg19) VCF-style: chr5-89988600-G-A.
Other names: p.(Arg2377Gln); short protein forms R2377Q.
Identifiers: ClinVar variation 1321451 (VCV001321451.15), dbSNP rs369341309, ClinGen allele CA360372133.

ClinVar aggregate classification (germline): Pathogenic/Likely pathogenic. Review status: criteria provided, multiple submitters, no conflicts (2 of 4 stars). 4 submissions from 4 submitters: Pathogenic (1); Likely pathogenic (2). 1 of the submissions does not count toward it. Last evaluated 2025-07-10.

Conditions:
ADGRV1-related disorder. Also called: ADGRV1-related condition; ADGRV1-related disorders.
Usher syndrome. Also called: Usher Syndromes; Usher's syndrome. Identifiers: Orphanet 886, MedGen CN469326, MeSH D052245, MONDO:0019501. Disease mechanism: loss of function.

Allele frequency attached by ClinVar (database versions not stated): gnomAD exomes below 0.00001.
gnomAD v4.1: 8 of 1,588,404 alleles (0.0005%); highest among the groups gnomAD compares: African/African-American, 0.0013%; no homozygotes.

Submissions (4):

Women's Health and Genetics/Laboratory Corporation of America, LabCorp
Classification: Likely pathogenic for Usher syndrome. Last evaluated: 2025-07-10. Review status: criteria provided, single submitter. Criteria: LabCorp Variant Classification Summary - May 2015. Collection method: clinical testing. Allele origin: germline.
Comment: Variant summary: ADGRV1 c.7130G>A (p.Arg2377Gln) results in a conservative amino acid change in the encoded protein sequence. Algorithms developed to predict the effect of missense changes on protein structure and function are either unavailable or do not agree on the potential impact of this missense change. The variant was absent in 212656 control chromosomes (gnomAD). c.7130G>A has been observed in individuals affected with Usher Syndrome and retinitis pigmentosa (Jiang_2015, Wafa_2021, Jaffal_2022, Zhou_2022, internal data). These data indicate that the variant is likely to be associated with disease. To our knowledge, no experimental evidence demonstrating an impact on protein function has been reported. The following publications have been ascertained in the context of this evaluation (PMID: 35651951, 26338283, 33089500, 35813073). ClinVar contains an entry for this variant (Variation ID: 1321451). Based on the evidence outlined above, the variant was classified as likely pathogenic.

Labcorp Genetics (formerly Invitae), Labcorp
Classification: Pathogenic. Last evaluated: 2023-11-27. Review status: criteria provided, single submitter. Criteria: Invitae Variant Classification Sherloc (09022015). Collection method: clinical testing. Allele origin: germline.
Comment: This sequence change replaces arginine, which is basic and polar, with glutamine, which is neutral and polar, at codon 2377 of the ADGRV1 protein (p.Arg2377Gln). This variant is not present in population databases (gnomAD no frequency). This missense change has been observed in individual(s) with clinical features of Usher syndrome (PMID: 26338283, 33089500; Invitae). ClinVar contains an entry for this variant (Variation ID: 1321451). Advanced modeling of protein sequence and biophysical properties (such as structural, functional, and spatial information, amino acid conservation, physicochemical variation, residue mobility, and thermodynamic stability) has been performed at Invitae for this missense variant, however the output from this modeling did not meet the statistical confidence thresholds required to predict the impact of this variant on ADGRV1 protein function. For these reasons, this variant has been classified as Pathogenic.

Blueprint Genetics
Classification: Likely pathogenic for ADGRV1-related disorders. Last evaluated: 2021-08-23. Review status: criteria provided, single submitter. Criteria: ACMG Guidelines, 2015. Collection method: clinical testing. Allele origin: germline. Affected: yes. Observed: 4 variant alleles.

Faculty of Health Sciences, Beirut Arab University
Classification: Pathogenic for USHER Syndrome. Last evaluated: 2022-02-12. Review status: no assertion criteria provided. Collection method: research. Allele origin: germline. Affected: yes. Observed: 1 variant allele. Not counted in ClinVar's aggregate classification.

Literature cited by the submitters: PubMed 33089500 (cited by Women's Health and Genetics/Laboratory Corporation of America, LabCorp and Labcorp Genetics (formerly Invitae), Labcorp); PubMed 26338283 (cited by Women's Health and Genetics/Laboratory Corporation of America, LabCorp and Labcorp Genetics (formerly Invitae), Labcorp); PubMed 35813073 (cited by Women's Health and Genetics/Laboratory Corporation of America, LabCorp); PubMed 35651951 (cited by Women's Health and Genetics/Laboratory Corporation of America, LabCorp).